The following is an entry in ClinVar:

ClinVar aggregate classification (germline): Uncertain significance. Review status: criteria provided, multiple submitters, no conflicts (2 of 4 stars). 2 submissions from 2 submitters: Uncertain significance (2). Last evaluated 2024-04-15.

Conditions:
Hennekam lymphangiectasia-lymphedema syndrome 2 (HKLLS2). Identifiers: Orphanet 2136, MedGen C4014939, MONDO:0014454, OMIM 616006.
Van Maldergem syndrome 2 (VMLDS2). Identifiers: Orphanet 314679, MedGen C3809875, MONDO:0014242, OMIM 615546.

Allele frequency attached by ClinVar (database versions not stated): gnomAD exomes below 0.00001; TOPMed below 0.00001; gnomAD 0.00001.

Submissions (2):

Fulgent Genetics
Classification: Uncertain significance for Van Maldergem syndrome 2; Hennekam lymphangiectasia-lymphedema syndrome 2. Last evaluated: 2024-04-15. Review status: criteria provided, single submitter. Criteria: ACMG Guidelines, 2015. Collection method: clinical testing. Allele origin: germline.

Labcorp Genetics (formerly Invitae), Labcorp
Classification: Uncertain significance. Last evaluated: 2023-07-14. Review status: criteria provided, single submitter. Criteria: Invitae Variant Classification Sherloc (09022015). Collection method: clinical testing. Allele origin: germline.
Comment: This variant is present in population databases (no rsID available, gnomAD 0.0009%). In summary, the available evidence is currently insufficient to determine the role of this variant in disease. Therefore, it has been classified as a Variant of Uncertain Significance. Advanced modeling of protein sequence and biophysical properties (such as structural, functional, and spatial information, amino acid conservation, physicochemical variation, residue mobility, and thermodynamic stability) performed at Invitae indicates that this missense variant is not expected to disrupt FAT4 protein function. ClinVar contains an entry for this variant (Variation ID: 1498817). This variant has not been reported in the literature in individuals affected with FAT4-related conditions. This sequence change replaces proline, which is neutral and non-polar, with leucine, which is neutral and non-polar, at codon 4756 of the FAT4 protein (p.Pro4756Leu).

NM_001291303.3(FAT4):c.14273C>T (p.Pro4758Leu)

Gene: FAT4 (FAT atypical cadherin 4; plus strand). Cytogenetic location: 4q28.1.
Variant type: single nucleotide variant.
Coding change: c.14273C>T on transcript NM_001291303.3 (MANE Select); coding-DNA position 14273, C replaced by T.
Protein change: p.Pro4758Leu; replaces proline 4758 with leucine.
Molecular consequence: missense variant.
Genome position (GRCh38, 1-based): chr4:125,491,089, C>T. VCF-style: chr4-125491089-C-T. GRCh37 (hg19) VCF-style: chr4-126412244-C-T.
Other names: c.14270C>T, p.Pro4757Leu (NM_001291285.3); c.14267C>T, p.Pro4756Leu (NM_024582.6); short protein forms P4756L, P4758L, P4757L.
Identifiers: ClinVar variation 1498817 (VCV001498817.10), dbSNP rs1405492776, ClinGen allele CA358141561.